The following is an entry in ClinVar:

ClinVar aggregate classification (germline): Uncertain significance (1 of 4 stars; one submission).

Conditions:
Familial thoracic aortic aneurysm and aortic dissection (TAAD). Also called: Thoracic aortic aneurysms and dissections. Identifiers: Orphanet 91387, MedGen C4707243, MONDO:0019625.

Submission:

Color Diagnostics, LLC DBA Color Health
Classification: Uncertain significance for Familial thoracic aortic aneurysm and aortic dissection. Last evaluated: 2023-10-31. Review status: criteria provided, single submitter. Criteria: ACMG Guidelines, 2015. Collection method: clinical testing. Allele origin: germline.
Comment: This missense variant replaces serine with cysteine at codon 1792 of the MYH11 protein. To our knowledge, functional studies have not been reported for this variant. This variant has not been reported in individuals affected with MYH11-related disorders in the literature. This variant has not been identified in the general population by the Genome Aggregation Database (gnomAD). The available evidence is insufficient to determine the role of this variant in disease conclusively. Therefore, this variant is classified as a Variant of Uncertain Significance.

NM_002474.3(MYH11):c.5353_5355delinsTGC (p.Ser1785Cys)

Genes: MYH11 (myosin heavy chain 11; minus strand), NDE1 (nudE neurodevelopment protein 1; plus strand). Cytogenetic location: 16p13.11.
Variant type: Indel.
Coding change: c.5353_5355delinsTGC on transcript NM_002474.3 (MANE Select); coding-DNA positions 5353 to 5355, AGT replaced by TGC.
Protein change: p.Ser1785Cys; replaces serine 1785 with cysteine.
Molecular consequence: missense variant. On other transcripts: intron variant (2).
Genome position (GRCh38, 1-based): chr16:15,717,289-15,717,291, ACT replaced by GCA on the plus strand (AGT replaced by TGC on the coding strand, the reverse complement: MYH11 is on the minus strand). VCF-style: chr16-15717289-ACT-GCA. GRCh37 (hg19) VCF-style: chr16-15811146-ACT-GCA.
Other names: c.5374_5376delinsTGC, p.Ser1792Cys (NM_001040113.2, NM_001040114.2); c.5353_5355delinsTGC, p.Ser1785Cys (NM_022844.3); c.948-6902_948-6900delinsGCA (NM_001143979.2, NM_017668.3); short protein forms S1785C, S1792C.
Identifiers: ClinVar variation 2773792 (VCV002773792.2), dbSNP rs2506084023, ClinGen allele CA2697555676.